The following is an entry in ClinVar:

NM_001081550.2(THOC2):c.2387G>T (p.Arg796Leu)

Gene: THOC2 (THO complex subunit 2; minus strand). Cytogenetic location: Xq25.
Variant type: single nucleotide variant.
Coding change: c.2387G>T on transcript NM_001081550.2 (MANE Select); coding-DNA position 2387, G replaced by T.
Protein change: p.Arg796Leu; replaces arginine 796 with leucine.
Molecular consequence: missense variant.
Genome position (GRCh38, 1-based): chrX:123,631,782, C>A on the plus strand (G>T on the coding strand, the complement: THOC2 is on the minus strand). VCF-style: chrX-123631782-C-A. GRCh37 (hg19) VCF-style: chrX-122765633-C-A.
Other names: c.2387G>T, p.Arg796Leu (NM_001441235.1, NM_001441236.1); short protein forms R796L.
Identifiers: ClinVar variation 5030848 (VCV005030848.1).

ClinVar aggregate classification (germline): Uncertain significance (1 of 4 stars; one submission).

Conditions:
Inborn genetic diseases. Identifiers: MedGen C0950123, MeSH D030342.

gnomAD v4.1: 1 of 1,208,809 alleles (0.000083%); highest among the groups gnomAD compares: Non-Finnish European, 0.00011%; no homozygotes.

Submission:

Ambry Genetics
Classification: Uncertain significance for Inborn genetic diseases. Last evaluated: 2026-07-03. Review status: criteria provided, single submitter. Criteria: Ambry Variant Classification Scheme 2023. Collection method: clinical testing. Allele origin: germline.
Comment: The c.2387G>T (p.R796L) alteration is located in exon 22 (coding exon 22) of the THOC2 gene. This alteration results from a G to T substitution at nucleotide position 2387, causing the arginine (R) at amino acid position 796 to be replaced by a leucine (L). Based on data from gnomAD, the T allele has an overall frequency of 0.001% (1/180462) total alleles studied. The highest observed frequency was 0.001% (1/81032) of European (non-Finnish) alleles. Based on insufficient or conflicting evidence, the clinical significance of this alteration remains unclear.